The following is an entry in ClinVar:

ClinVar aggregate classification (germline): Pathogenic (1 of 4 stars; one submission).

Submission:

Labcorp Genetics (formerly Invitae), Labcorp
Classification: Pathogenic. Last evaluated: 2025-01-27. Review status: criteria provided, single submitter. Criteria: Invitae Variant Classification Sherloc (09022015). Collection method: clinical testing. Allele origin: germline.
Comment: This sequence change creates a premature translational stop signal (p.Gly296Glufs*4) in the ADAMTSL4 gene. It is expected to result in an absent or disrupted protein product. Loss-of-function variants in ADAMTSL4 are known to be pathogenic (PMID: 20564469, 28642162). This variant is not present in population databases (gnomAD no frequency). This variant has not been reported in the literature in individuals affected with ADAMTSL4-related conditions. For these reasons, this variant has been classified as Pathogenic.

Literature cited by the submitters: PubMed 20564469; PubMed 28642162.

NM_019032.6(ADAMTSL4):c.885_886del (p.Gly296fs)

Genes: ADAMTSL4 (ADAMTS like 4; plus strand), ADAMTSL4-AS2 (ADAMTSL4 antisense RNA 2; minus strand). Cytogenetic location: 1q21.2.
Variant type: Deletion.
Coding change: c.885_886del on transcript NM_019032.6 (MANE Select); coding-DNA positions 885 to 886, 2 bases deleted (AG; older notation c.885_886delAG).
Protein change: p.Gly296fs; shifts the reading frame from glycine 296.
Molecular consequence: frameshift variant.
Genome position (GRCh38, 1-based): chr1:150,553,876-150,553,877, AG deleted. VCF-style (leftmost placement, unchanged base first): chr1-150553875-CAG-C. GRCh37 (hg19) VCF-style: chr1-150526351-CAG-C.
Other names: c.885_886del, p.Gly296fs (NM_001288607.2, NM_001288608.2, NM_001378596.1 and 1 more transcripts); short protein forms G296fs.
Identifiers: ClinVar variation 3615515 (VCV003615515.2).